The following is an entry in ClinVar:

NM_080680.3(COL11A2):c.502A>G (p.Lys168Glu)

Gene: COL11A2 (collagen type XI alpha 2 chain; minus strand). Cytogenetic location: 6p21.32.
Variant type: single nucleotide variant.
Coding change: c.502A>G on transcript NM_080680.3 (MANE Select); coding-DNA position 502, A replaced by G.
Protein change: p.Lys168Glu; replaces lysine 168 with glutamic acid.
Molecular consequence: missense variant.
Genome position (GRCh38, 1-based): chr6:33,188,466, T>C on the plus strand (A>G on the coding strand, the complement: COL11A2 is on the minus strand). VCF-style: chr6-33188466-T-C. GRCh37 (hg19) VCF-style: chr6-33156243-T-C.
Other names: c.502A>G, p.Lys168Glu (NM_001163771.2, NM_080679.3, NM_080681.3); short protein forms K168E.
Identifiers: ClinVar variation 1524464 (VCV001524464.5), dbSNP rs2150620648, ClinGen allele CA363611590.

ClinVar aggregate classification (germline): Uncertain significance (1 of 4 stars; one submission).

gnomAD v4.1: 7 of 1,613,022 alleles (0.00043%); highest among the groups gnomAD compares: Non-Finnish European, 0.00059%; no homozygotes.

Submission:

Labcorp Genetics (formerly Invitae), Labcorp
Classification: Uncertain significance. Last evaluated: 2021-09-17. Review status: criteria provided, single submitter. Criteria: Invitae Variant Classification Sherloc (09022015). Collection method: clinical testing. Allele origin: germline.
Comment: This sequence change replaces lysine with glutamic acid at codon 168 of the COL11A2 protein (p.Lys168Glu). The lysine residue is highly conserved and there is a small physicochemical difference between lysine and glutamic acid. This variant is not present in population databases (ExAC no frequency). This variant has not been reported in the literature in individuals with COL11A2-related conditions. Advanced modeling of protein sequence and biophysical properties (such as structural, functional, and spatial information, amino acid conservation, physicochemical variation, residue mobility, and thermodynamic stability) performed at Invitae indicates that this missense variant is not expected to disrupt COL11A2 protein function. In summary, the available evidence is currently insufficient to determine the role of this variant in disease. Therefore, it has been classified as a Variant of Uncertain Significance.